The following is an entry in ClinVar:

ClinVar aggregate classification (germline): Uncertain significance (1 of 4 stars; one submission).

Submission:

Labcorp Genetics (formerly Invitae), Labcorp
Classification: Uncertain significance. Last evaluated: 2022-08-16. Review status: criteria provided, single submitter. Criteria: Invitae Variant Classification Sherloc (09022015). Collection method: clinical testing. Allele origin: germline.
Comment: This sequence change replaces serine, which is neutral and polar, with cysteine, which is neutral and slightly polar, at codon 1064 of the RAI1 protein (p.Ser1064Cys). This variant is not present in population databases (gnomAD no frequency). This variant has not been reported in the literature in individuals affected with RAI1-related conditions. ClinVar contains an entry for this variant (Variation ID: 1493105). Algorithms developed to predict the effect of missense changes on protein structure and function are either unavailable or do not agree on the potential impact of this missense change (SIFT: "Deleterious"; PolyPhen-2: "Possibly Damaging"; Align-GVGD: "Class C15"). In summary, the available evidence is currently insufficient to determine the role of this variant in disease. Therefore, it has been classified as a Variant of Uncertain Significance.

NM_030665.4(RAI1):c.3190A>T (p.Ser1064Cys)

Gene: RAI1 (retinoic acid induced 1; plus strand). Cytogenetic location: 17p11.2.
Variant type: single nucleotide variant.
Coding change: c.3190A>T on transcript NM_030665.4 (MANE Select); coding-DNA position 3190, A replaced by T.
Protein change: p.Ser1064Cys; replaces serine 1064 with cysteine.
Molecular consequence: missense variant.
Genome position (GRCh38, 1-based): chr17:17,796,138, A>T. VCF-style: chr17-17796138-A-T. GRCh37 (hg19) VCF-style: chr17-17699452-A-T.
Other names: short protein forms S1064C.
Identifiers: ClinVar variation 1493105 (VCV001493105.6), dbSNP rs2143002571, ClinGen allele CA398553085.
Genomic context (GRCh38, chr17:17,796,138, plus strand): 5'-CCAGGCCGGGGGGCCTCGGAAGGGCTCCCCAGGATGTGTACTCGTTCTCTCACGGCCCTG[A>T]GTGAGCCCCGCACGCCCGGACCCCCAGGCCTGACCACCACCCCTGCACCCCCAGACAAAC-3'
Protein context (NP_109590.3, residues 1054-1074): RMCTRSLTAL[Ser1064Cys]EPRTPGPPGL